The following is an entry in ClinVar:

ClinVar aggregate classification (germline): Uncertain significance (1 of 4 stars; one submission).

Conditions:
Renal dysplasia, cystic, susceptibility to. Identifiers: MedGen C3275898, MONDO:0011037, OMIM 601331.

Submission:

MVZ Medizinische Genetik Mainz
Classification: Uncertain significance for Renal dysplasia, cystic, susceptibility to. Last evaluated: 2026-07-08. Review status: criteria provided, single submitter. Criteria: UK Practice Guidelines For Variant Classification V4 01 2020. Collection method: clinical testing. Allele origin: germline. Inheritance: Autosomal dominant inheritance. Affected: yes. Observed: 1 variant allele.
Comment: ACMG Criteria: PS1_SUP,PM2_SUP,PP3

NM_001080512.3(BICC1):c.1179+5G>A

Gene: BICC1 (BicC family RNA binding protein 1; plus strand). Cytogenetic location: 10q21.1.
Variant type: single nucleotide variant.
Coding change: c.1179+5G>A on transcript NM_001080512.3 (MANE Select); 5 bases into the intron after coding-DNA position 1179, G replaced by A.
Molecular consequence: intron variant.
Genome position (GRCh38, 1-based): chr10:58,793,620, G>A. VCF-style: chr10-58793620-G-A. GRCh37 (hg19) VCF-style: chr10-60553380-G-A.
Identifiers: ClinVar variation 4879867 (VCV004879867.1).